The following is an entry in ClinVar:

ClinVar aggregate classification (germline): Uncertain significance (1 of 4 stars; one submission).

Conditions:
DOCK2 deficiency. Also called: Immunodeficiency 40. Identifiers: Orphanet 447737, MedGen C4225328, MONDO:0014637, OMIM 616433.

Allele frequency attached by ClinVar (database versions not stated): gnomAD exomes below 0.00001 and 0.00001; ExAC 0.00001; TOPMed 0.00001.
gnomAD v4.1: 9 of 1,614,146 alleles (0.00056%); highest among the groups gnomAD compares: South Asian, 0.0022%; no homozygotes.

Submission:

Labcorp Genetics (formerly Invitae), Labcorp
Classification: Uncertain significance for DOCK2 deficiency. Last evaluated: 2021-09-01. Review status: criteria provided, single submitter. Criteria: Invitae Variant Classification Sherloc (09022015). Collection method: clinical testing. Allele origin: germline.
Comment: This sequence change replaces arginine with glutamine at codon 1370 of the DOCK2 protein (p.Arg1370Gln). The arginine residue is moderately conserved and there is a small physicochemical difference between arginine and glutamine. This variant is present in population databases (rs780312697, ExAC 0.02%). This variant has not been reported in the literature in individuals affected with DOCK2-related conditions. Algorithms developed to predict the effect of missense changes on protein structure and function are either unavailable or do not agree on the potential impact of this missense change (SIFT: "Tolerated"; PolyPhen-2: "Probably Damaging"; Align-GVGD: "Class C0"). In summary, the available evidence is currently insufficient to determine the role of this variant in disease. Therefore, it has been classified as a Variant of Uncertain Significance.

NM_004946.3(DOCK2):c.4109G>A (p.Arg1370Gln)

Gene: DOCK2 (dedicator of cytokinesis 2; plus strand). Cytogenetic location: 5q35.1.
Variant type: single nucleotide variant.
Coding change: c.4109G>A on transcript NM_004946.3 (MANE Select); coding-DNA position 4109, G replaced by A.
Protein change: p.Arg1370Gln; replaces arginine 1370 with glutamine.
Molecular consequence: missense variant. On other transcripts: non-coding transcript variant (1).
Genome position (GRCh38, 1-based): chr5:170,050,293, G>A. VCF-style: chr5-170050293-G-A. GRCh37 (hg19) VCF-style: chr5-169477297-G-A.
Other names: short protein forms R1370Q.
Identifiers: ClinVar variation 1045940 (VCV001045940.6), dbSNP rs780312697, ClinGen allele CA3554442.